The following is an entry in ClinVar:

ClinVar aggregate classification (germline): Conflicting classifications of pathogenicity. Review status: criteria provided, conflicting classifications (1 of 4 stars). 2 submissions from 2 submitters: Likely pathogenic (1); Uncertain significance (1). Last evaluated 2022-07-11.

Conditions:
SNRNP200-related disorder. Also called: SNRNP200-related condition.

Allele frequency attached by ClinVar (database versions not stated): TOPMed below 0.00001.

Submissions (2):

GeneDx
Classification: Uncertain significance. Last evaluated: 2022-07-11. Review status: criteria provided, single submitter. Criteria: GeneDx Variant Classification Process June 2021. Collection method: clinical testing. Allele origin: germline. Affected: yes.
Comment: Not observed at significant frequency in large population cohorts (gnomAD); In silico analysis supports that this missense variant has a deleterious effect on protein structure/function; Has not been previously published as pathogenic or benign to our knowledge

Blueprint Genetics
Classification: Likely pathogenic for SNRNP200-related disorders. Last evaluated: 2021-12-07. Review status: criteria provided, single submitter. Criteria: ACMG Guidelines, 2015. Collection method: clinical testing. Allele origin: germline. Affected: yes. Observed: 2 variant alleles.

NM_014014.5(SNRNP200):c.1519G>A (p.Ala507Thr)

Gene: SNRNP200 (small nuclear ribonucleoprotein U5 subunit 200; minus strand). Cytogenetic location: 2q11.2.
Variant type: single nucleotide variant.
Coding change: c.1519G>A on transcript NM_014014.5 (MANE Select); coding-DNA position 1519, G replaced by A.
Protein change: p.Ala507Thr; replaces alanine 507 with threonine.
Molecular consequence: missense variant.
Genome position (GRCh38, 1-based): chr2:96,296,688, C>T on the plus strand (G>A on the coding strand, the complement: SNRNP200 is on the minus strand). VCF-style: chr2-96296688-C-T. GRCh37 (hg19) VCF-style: chr2-96962426-C-T.
Other names: short protein forms A507T.
Identifiers: ClinVar variation 1878801 (VCV001878801.2), dbSNP rs2063919051, ClinGen allele CA347682409.